The following is an entry in ClinVar:

NM_000080.4(CHRNE):c.1115C>T (p.Ala372Val)

Gene: CHRNE (cholinergic receptor nicotinic epsilon subunit; minus strand). Cytogenetic location: 17p13.2.
Variant type: single nucleotide variant.
Coding change: c.1115C>T on transcript NM_000080.4 (MANE Select); coding-DNA position 1115, C replaced by T.
Protein change: p.Ala372Val; replaces alanine 372 with valine.
Molecular consequence: missense variant.
Genome position (GRCh38, 1-based): chr17:4,899,302, G>A on the plus strand (C>T on the coding strand, the complement: CHRNE is on the minus strand). VCF-style: chr17-4899302-G-A. GRCh37 (hg19) VCF-style: chr17-4802597-G-A.
Other names: short protein forms A372V.
Identifiers: ClinVar variation 1412034 (VCV001412034.5), dbSNP rs912512352, ClinGen allele CA287180120.

ClinVar aggregate classification (germline): Uncertain significance. Review status: criteria provided, multiple submitters, no conflicts (2 of 4 stars). 3 submissions from 3 submitters: Uncertain significance (3). Last evaluated 2024-01-17.

Conditions:
Inborn genetic diseases. Identifiers: MedGen C0950123, MeSH D030342.
Congenital myasthenic syndrome 4B. Also called: Myasthenic syndrome, congenital, 4b, fast-channel. Identifiers: Orphanet 590, MedGen C4225369, MONDO:0014586, OMIM 616324.
Congenital myasthenic syndrome 4A. Also called: Myasthenic syndrome, congenital, 4a, slow-channel; MYASTHENIC SYNDROME, CONGENITAL, 4A, SLOW-CHANNEL, AUTOSOMAL RECESSIVE; CONGENITAL MYASTHENIC SYNDROME TYPE Ia1. Identifiers: Orphanet 590, MedGen C4225413, MONDO:0011600, OMIM 605809.
Congenital myasthenic syndrome 4C (CMS4C). Also called: Myasthenic syndrome, congenital, associated with acetylcholine receptor deficiency. Identifiers: Orphanet 590, MedGen C1837091, MONDO:0012157, OMIM 608931.

Allele frequency attached by ClinVar (database versions not stated): gnomAD exomes 0.00001 and 0.00003; gnomAD 0.00006; TOPMed 0.00007.
gnomAD v4.1: 17 of 1,589,276 alleles (0.0011%); highest among the groups gnomAD compares: Admixed American, 0.026%; no homozygotes.

Submissions (3):

Ambry Genetics
Classification: Uncertain significance for Inborn genetic diseases. Last evaluated: 2024-01-17. Review status: criteria provided, single submitter. Criteria: Ambry Variant Classification Scheme 2023. Collection method: clinical testing. Allele origin: germline.

Labcorp Genetics (formerly Invitae), Labcorp
Classification: Uncertain significance for Congenital myasthenic syndrome 4A. Last evaluated: 2022-06-04. Review status: criteria provided, single submitter. Criteria: Invitae Variant Classification Sherloc (09022015). Collection method: clinical testing. Allele origin: germline.
Comment: This sequence change replaces alanine, which is neutral and non-polar, with valine, which is neutral and non-polar, at codon 372 of the CHRNE protein (p.Ala372Val). This variant is present in population databases (no rsID available, gnomAD 0.02%). This variant has not been reported in the literature in individuals affected with CHRNE-related conditions. ClinVar contains an entry for this variant (Variation ID: 1412034). Advanced modeling of protein sequence and biophysical properties (such as structural, functional, and spatial information, amino acid conservation, physicochemical variation, residue mobility, and thermodynamic stability) performed at Invitae indicates that this missense variant is not expected to disrupt CHRNE protein function. In summary, the available evidence is currently insufficient to determine the role of this variant in disease. Therefore, it has been classified as a Variant of Uncertain Significance.

Fulgent Genetics
Classification: Uncertain significance for Congenital myasthenic syndrome 4A; Congenital myasthenic syndrome 4C; Congenital myasthenic syndrome 4B. Last evaluated: 2021-07-13. Review status: criteria provided, single submitter. Criteria: ACMG Guidelines, 2015. Collection method: clinical testing. Allele origin: unknown.